The following is an entry in ClinVar:

ClinVar aggregate classification (germline): Uncertain significance (1 of 4 stars; one submission).

Conditions:
Cardiovascular phenotype. Identifiers: MedGen CN230736.

gnomAD v4.1: 1 of 1,613,962 alleles (0.000062%); highest among the groups gnomAD compares: Non-Finnish European, 0.000085%; no homozygotes.

Submission:

Ambry Genetics
Classification: Uncertain significance for Cardiovascular phenotype. Last evaluated: 2024-07-17. Review status: criteria provided, single submitter. Criteria: Ambry Variant Classification Scheme 2023. Collection method: clinical testing. Allele origin: germline.
Comment: The p.E160K variant (also known as c.478G>A), located in coding exon 5 of the SPRED1 gene, results from a G to A substitution at nucleotide position 478. The glutamic acid at codon 160 is replaced by lysine, an amino acid with similar properties. This amino acid position is conserved. In addition, this alteration is predicted to be tolerated by in silico analysis. Based on the available evidence, the clinical significance of this variant remains unclear.

NM_152594.3(SPRED1):c.478G>A (p.Glu160Lys)

Gene: SPRED1 (sprouty related EVH1 domain containing 1; plus strand). Cytogenetic location: 15q14.
Variant type: single nucleotide variant.
Coding change: c.478G>A on transcript NM_152594.3 (MANE Select); coding-DNA position 478, G replaced by A.
Protein change: p.Glu160Lys; replaces glutamic acid 160 with lysine.
Molecular consequence: missense variant.
Genome position (GRCh38, 1-based): chr15:38,339,791, G>A. VCF-style: chr15-38339791-G-A. GRCh37 (hg19) VCF-style: chr15-38631992-G-A.
Other names: short protein forms E160K.
Identifiers: ClinVar variation 3448762 (VCV003448762.1).
Genomic context (GRCh38, chr15:38,339,791, plus strand): 5'-CAATAGGCAAATGAAGAGGATTCTTCCAGTTCTCTAGTGAAGGATCACCTTTTTCAGCAA[G>A]AGACAGTTGTTACCAGTGAGCCTTATAGAAGCTCAAATATAAGACCTTCTCCCTTTGAAG-3'
Protein context (NP_689807.1, residues 150-170): SLVKDHLFQQ[Glu160Lys]TVVTSEPYRS